The following is an entry in ClinVar:

NM_000179.3(MSH6):c.3772C>G (p.Gln1258Glu)

Gene: MSH6 (mutS homolog 6; plus strand). Cytogenetic location: 2p16.3.
Variant type: single nucleotide variant.
Coding change: c.3772C>G on transcript NM_000179.3 (MANE Select); coding-DNA position 3772, C replaced by G.
Protein change: p.Gln1258Glu; replaces glutamine 1258 with glutamic acid.
Molecular consequence: missense variant.
Genome position (GRCh38, 1-based): chr2:47,806,329, C>G. VCF-style: chr2-47806329-C-G. GRCh37 (hg19) VCF-style: chr2-48033468-C-G.
Other names: c.3382C>G, p.Gln1128Glu (NM_001281492.2); c.2866C>G, p.Gln956Glu (NM_001281493.2, NM_001281494.2); short protein forms Q1258E, Q1128E, Q956E.
Identifiers: ClinVar variation 237198 (VCV000237198.36), dbSNP rs63750554, ClinGen allele CA071996.
Genomic context (GRCh38, chr2:47,806,329, plus strand): 5'-ACTATAAAATGTCGTACATTATTTTCAACTCACTACCATTCATTAGTAGAAGATTATTCT[C>G]AAAATGTTGCTGTGCGCCTAGGACATATGGTATGTGCAAATTGTTTTTTTCCACAAATTC-3'
Protein context (NP_000170.1, residues 1248-1268): HYHSLVEDYS[Gln1258Glu]NVAVRLGHMA

ClinVar aggregate classification (germline): Conflicting classifications of pathogenicity. Review status: criteria provided, conflicting classifications (1 of 4 stars). 9 submissions from 9 submitters: Uncertain significance (6); Benign (2); Likely benign (1). Last evaluated 2025-12-08.

Conditions:
Mismatch repair cancer syndrome 1 (MMRCS1). Also called: BRAIN TUMOR-POLYPOSIS SYNDROME 1; BTP1 SYNDROME; CHILDHOOD CANCER SYNDROME; MISMATCH REPAIR DEFICIENCY; MMR DEFICIENCY. Identifiers: Orphanet 252202, MedGen C5399763, MONDO:0010159, OMIM 276300. Disease mechanism: loss of function.
Lynch syndrome 5 (LYNCH5). Also called: Hereditary non-polyposis colorectal cancer, type 5; Colorectal cancer, hereditary nonpolyposis, type 5. Identifiers: Orphanet 144, MedGen C1833477, MONDO:0013710, OMIM 614350. Disease mechanism: loss of function.
Hereditary nonpolyposis colorectal neoplasms. Identifiers: MedGen C0009405, MeSH D003123.
Lynch syndrome. Identifiers: Orphanet 144, MedGen C4552100, MONDO:0005835. Disease mechanism: loss of function.
Hereditary cancer-predisposing syndrome. Also called: Hereditary neoplastic syndrome; Hereditary Cancer Syndrome; Neoplastic Syndromes, Hereditary; Tumor predisposition. Identifiers: Orphanet 140162, MedGen C0027672, MeSH D009386, MONDO:0015356.
Endometrial carcinoma. Also called: Endometrial carcinoma, somatic. Identifiers: MedGen C0476089, MONDO:0002447, OMIM 608089, HP:0012114.

Allele frequency attached by ClinVar (database versions not stated): TOPMed 0.00001; gnomAD 0.00003; gnomAD exomes 0.00003 and 0.00004; ExAC 0.00006; 1000 Genomes Project 30x 0.00016; 1000 Genomes Project 0.00020.

Submissions (9):

Labcorp Genetics (formerly Invitae), Labcorp
Classification: Benign for Hereditary nonpolyposis colorectal neoplasms. Last evaluated: 2025-12-08. Review status: criteria provided, single submitter. Criteria: Invitae Variant Classification Sherloc (09022015). Collection method: clinical testing. Allele origin: germline.

Color Diagnostics, LLC DBA Color Health
Classification: Likely benign for Hereditary cancer-predisposing syndrome. Last evaluated: 2025-09-05. Review status: criteria provided, single submitter. Criteria: ACMG Guidelines, 2015. Collection method: clinical testing. Allele origin: germline.

Ambry Genetics
Classification: Benign for Hereditary cancer-predisposing syndrome. Last evaluated: 2025-06-16. Review status: criteria provided, single submitter. Criteria: Ambry Variant Classification Scheme 2023. Collection method: clinical testing. Allele origin: germline.

Center for Genomic Medicine, Rigshospitalet, Copenhagen University Hospital
Classification: Uncertain significance. Last evaluated: 2025-03-04. Review status: criteria provided, single submitter. Criteria: ACMG Guidelines, 2015. Collection method: clinical testing. Allele origin: germline.

Quest Diagnostics Nichols Institute San Juan Capistrano
Classification: Uncertain significance. Last evaluated: 2024-10-30. Review status: criteria provided, single submitter. Criteria: Quest Diagnostics criteria. Collection method: clinical testing. Allele origin: unknown.
Comment: The MSH6 c.3772C (p.Gln1258Glu) variant has been reported in the published literature in individuals with breast (PMIDs: 30982232 (2019), 32019277 (2020)), colorectal (PMIDs: 28874130 (2017), 28932927 (2018), 29575718 (2018)), pancreatic (PMID: 32980694 (2020)), and bile duct cancer (PMID: 31666926 (2019)). The frequency of this variant in the general population, 0.00049 (9/18392 chromosomes in East Asian subpopulation (Genome Aggregation Database)), is higher than would generally be expected for pathogenic variants in this gene. Analysis of this variant using bioinformatics tools for the prediction of the effect of amino acid changes on protein structure and function yielded predictions that this variant is benign. Based on the available information, we are unable to determine the clinical significance of this variant.

Baylor Genetics
Classification: Uncertain significance for Endometrial carcinoma. Last evaluated: 2024-01-27. Review status: criteria provided, single submitter. Criteria: ACMG Guidelines, 2015. Collection method: clinical testing. Allele origin: unknown.

GeneDx
Classification: Uncertain significance. Last evaluated: 2023-09-22. Review status: criteria provided, single submitter. Criteria: GeneDx Variant Classification Process June 2021. Collection method: clinical testing. Allele origin: germline. Affected: yes.
Comment: In silico analysis supports that this missense variant does not alter protein structure/function; Observed in individuals with breast cancer or suspected Lynch syndrome (Ross 2017, Schneider 2018, Kiyozumi 2019, Wang 2019, Shin 2020); This variant is associated with the following publications: (PMID: 28932927, 28874130, 29575718, 30982232, 32019277, 31386297, 17531815, 21120944)

All of Us Research Program, National Institutes of Health
Classification: Uncertain significance for Lynch syndrome. Last evaluated: 2023-08-28. Review status: criteria provided, single submitter. Criteria: ACMG Guidelines, 2015. Collection method: clinical testing. Allele origin: germline. Inheritance: Autosomal dominant inheritance. Observed: 3 variant alleles, 3 heterozygotes.
Comment: This missense variant replaces glutamine with glutamic acid at codon 1258 of the MSH6 protein. Computational prediction suggests that this variant may not impact protein structure and function (internally defined REVEL score threshold <= 0.5, PMID: 27666373). To our knowledge, functional studies have not been reported for this variant. This variant has been observed in individuals affected with Lynch syndrome (PMID: 28874130, 28932927, 29575718, 31386297), pancreatic cancer (PMID: 32980694), and breast or ovarian cancer (PMID: 30982232, 32019277). One individual affected with Lynch syndrome was reported to have an unspecified pathogenic co-variant and lacked phenotypes expected for biallelic constitutional mismatch repair deficiency (PMID: 29575718), while another showed microsatellite stability and presence of mismatch repair proteins by immunohistochemistry (PMID: 31386297). This variant has been identified in 10/251214 chromosomes in the general population by the Genome Aggregation Database (gnomAD) and has been reported in healthy individuals (PMID: 32980694). The available evidence is insufficient to determine the role of this variant in disease conclusively. Therefore, this variant is classified as a Variant of Uncertain Significance.

This study involves interpretation of variants in research participants for the purpose of population health screening. Participant phenotype was not available at the time of variant classification. Additional details can be found in publication PMID: 35346344, PMCID: PMC8962531

Women's Health and Genetics/Laboratory Corporation of America, LabCorp
Classification: Uncertain significance. Last evaluated: 2019-07-26. Review status: criteria provided, single submitter. Criteria: LabCorp Variant Classification Summary - May 2015. Collection method: clinical testing. Allele origin: germline.
Comment: Variant summary: MSH6 c.3772C>G (p.Gln1258Glu) results in a conservative amino acid change located in the C-terminal domain of the encoded protein sequence. Four of five in-silico tools predict a benign effect of the variant on protein function. The variant allele was found at a frequency of 4e-05 in 251214 control chromosomes, predominantly at a frequency of 0.00049 within the East Asian subpopulation in the gnomAD database. The available data on variant occurrences in the general population are insufficient to allow any conclusion about variant significance. c.3772C>G has been reported in the literature in individuals affected with Lynch Syndrome (Rossi_2017, Soares_2018, Schneider_2018) and familial breast cancer (Wang_2019). These data do not allow any conclusion about variant significance. To our knowledge, no experimental evidence demonstrating an impact on protein function has been reported. Five clinical diagnostic laboratories have submitted clinical-significance assessments for this variant (after 2014) and classified the variant as uncertain significance. Based on the evidence outlined above, the variant was classified as uncertain significance.

Literature cited by the submitters: PubMed 28874130 (cited by 5 submitters); PubMed 28932927 (cited by 5 submitters); PubMed 29575718 (cited by 4 submitters); PubMed 31386297 (cited by 4 submitters); PubMed 31666926 (cited by Ambry Genetics and Quest Diagnostics Nichols Institute San Juan Capistrano); PubMed 32019277 (cited by 3 submitters); PubMed 32980694 (cited by Quest Diagnostics Nichols Institute San Juan Capistrano and All of Us Research Program, National Institutes of Health); PubMed 30982232 (cited by 3 submitters).